The following is an entry in ClinVar:

ClinVar aggregate classification (germline): Uncertain significance (1 of 4 stars; one submission).

Conditions:
Capillary malformation-arteriovenous malformation 2 (CMAVM2). Identifiers: Orphanet 693912, MedGen C4748670, MONDO:0020785, OMIM 618196.

Submission:

Clinical Genomics Laboratory, Washington University in St. Louis
Classification: Uncertain significance for Capillary malformation-arteriovenous malformation 2. Last evaluated: 2024-01-27. Review status: criteria provided, single submitter. Criteria: ACMG Guidelines, 2015. Collection method: clinical testing. Allele origin: germline.
Comment: The EPHB4 c.814G>T (p.Ala272Ser) variant was identified at a near heterozygous allele fraction of 47%, a frequency which may be consistent with it being of germline origin. The EPHB4 c.814G>T (p.Ala272Ser) variant, to our knowledge, has not been reported in the medical literature and is absent from the general population (gnomAD v4.0.0), indicating it is not a common variant. Computational predictors suggest that this variant does not impact EPHB4 function. Due to limited information, and based on ACMG/AMP guidelines for variant interpretation (Richards S et al., PMID: 25741868), the clinical significance of the EPHB4 c.814G>T (p.Ala272Ser) variant is uncertain at this time.

NM_004444.5(EPHB4):c.814G>T (p.Ala272Ser)

Gene: EPHB4 (EPH receptor B4; minus strand). Cytogenetic location: 7q22.1.
Variant type: single nucleotide variant.
Coding change: c.814G>T on transcript NM_004444.5 (MANE Select); coding-DNA position 814, G replaced by T.
Protein change: p.Ala272Ser; replaces alanine 272 with serine.
Molecular consequence: missense variant.
Genome position (GRCh38, 1-based): chr7:100,820,291, C>A on the plus strand (G>T on the coding strand, the complement: EPHB4 is on the minus strand). VCF-style: chr7-100820291-C-A. GRCh37 (hg19) VCF-style: chr7-100417913-C-A.
Other names: short protein forms A272S.
Identifiers: ClinVar variation 3237425 (VCV003237425.1), dbSNP rs748423953.
Genomic context (GRCh38, chr7:100,820,291, plus strand): 5'-TATTGGCTGGGCATGGCTGGCAGGACCCTTCTCCTGACAGGGGCTTGAAGGTGCCCTGGG[C>A]ACAGGCTGAGAGAGAGAAAGCATTCATCAAAAGCATGCACAAAAACATCCATCTGCACGG-3'
Protein context (NP_004435.3, residues 262-282): AEGNTKCRAC[Ala272Ser]QGTFKPLSGE